The following is an entry in ClinVar:

NM_005629.4(SLC6A8):c.1392_1392+2dup

Gene: SLC6A8 (solute carrier family 6 member 8; plus strand). Cytogenetic location: Xq28.
Variant type: Duplication.
Coding change: c.1392_1392+2dup on transcript NM_005629.4 (MANE Select); coding-DNA position 1392 through the canonical splice donor site of the intron after coding-DNA position 1392, 3 bases duplicated (TGT; older notation c.1392_1392+2dupTGT).
Molecular consequence: splice donor variant.
Genome position (GRCh38, 1-based): chrX:153,694,267-153,694,269, TGT duplicated. VCF-style (leftmost placement, unchanged base first): chrX-153694266-A-ATGT. GRCh37 (hg19) VCF-style: chrX-152959721-A-ATGT.
Other names: c.1362_1362+2dup (NM_001142805.2); c.1047_1047+2dup (NM_001142806.1).
Identifiers: ClinVar variation 2724137 (VCV002724137.3), dbSNP rs2522166829, ClinGen allele CA2697544810.
Genomic context (GRCh38, chrX:153,694,266, plus strand): 5'-AGATCTCTGTGGCCCTCTGTTGTGCCCTCTGCTTTGTCATCGATCTCTCCATGGTGACTG[A>ATGT]TGTGAGTGGGGTGGGGGGTCTGCCTGTGACCTCTGGTGGCCGTCTGCCATCCTCCCTGAC-3'

ClinVar aggregate classification (germline): Uncertain significance (1 of 4 stars; one submission).

Conditions:
Creatine transporter deficiency (CCDS1). Also called: Creatine Transporter (CRTR) Deficiency; Mental retardation , X-linked with seizures, short stature and midface hypoplasia; Mental retardation , X-linked, with creatine transport deficiency; X-linked creatine transporter deficiency; X-linked creatine deficiency syndrome; SLC6A8-Related Creatine Transporter Deficiency. Identifiers: Orphanet 52503, MedGen C1845862, MONDO:0010305, OMIM 300352.

Submission:

Labcorp Genetics (formerly Invitae), Labcorp
Classification: Uncertain significance for Creatine transporter deficiency. Last evaluated: 2025-04-07. Review status: criteria provided, single submitter. Criteria: Invitae Variant Classification Sherloc (09022015). Collection method: clinical testing. Allele origin: germline.
Comment: This sequence change falls in intron 9 of the SLC6A8 gene. It does not directly change the encoded amino acid sequence of the SLC6A8 protein. It affects a nucleotide within the consensus splice site. This variant is not present in population databases (gnomAD no frequency). This variant has not been reported in the literature in individuals affected with SLC6A8-related conditions. ClinVar contains an entry for this variant (Variation ID: 2724137). Variants that disrupt the consensus splice site are a relatively common cause of aberrant splicing (PMID: 17576681, 9536098). Algorithms developed to predict the effect of sequence changes on RNA splicing suggest that this variant may disrupt the consensus splice site. In summary, the available evidence is currently insufficient to determine the role of this variant in disease. Therefore, it has been classified as a Variant of Uncertain Significance.

Literature cited by the submitters: PubMed 17576681; PubMed 9536098.